The following is an entry in ClinVar:

ClinVar aggregate classification (germline): Uncertain significance (1 of 4 stars; one submission).

Conditions:
Emery-Dreifuss muscular dystrophy 5, autosomal dominant (EDMD5). Also called: EMERY-DREIFUSS MUSCULAR DYSTROPHY 5. Identifiers: Orphanet 261, MedGen C2751805, MONDO:0013072, OMIM 612999.

Submission:

Labcorp Genetics (formerly Invitae), Labcorp
Classification: Uncertain significance for Emery-Dreifuss muscular dystrophy 5, autosomal dominant. Last evaluated: 2023-07-25. Review status: criteria provided, single submitter. Criteria: Invitae Variant Classification Sherloc (09022015). Collection method: clinical testing. Allele origin: germline.
Comment: This sequence change replaces lysine, which is basic and polar, with arginine, which is basic and polar, at codon 3339 of the SYNE2 protein (p.Lys3339Arg). This variant is not present in population databases (gnomAD no frequency). In summary, the available evidence is currently insufficient to determine the role of this variant in disease. Therefore, it has been classified as a Variant of Uncertain Significance. An algorithm developed to predict the effect of missense changes on protein structure and function (PolyPhen-2) suggests that this variant is likely to be disruptive. This variant has not been reported in the literature in individuals affected with SYNE2-related conditions.

NM_182914.3(SYNE2):c.10016A>G (p.Lys3339Arg)

Gene: SYNE2 (spectrin repeat containing nuclear envelope protein 2; plus strand). Cytogenetic location: 14q23.2.
Variant type: single nucleotide variant.
Coding change: c.10016A>G on transcript NM_182914.3 (MANE Select); coding-DNA position 10016, A replaced by G.
Protein change: p.Lys3339Arg; replaces lysine 3339 with arginine.
Molecular consequence: missense variant.
Genome position (GRCh38, 1-based): chr14:64,056,215, A>G. VCF-style: chr14-64056215-A-G. GRCh37 (hg19) VCF-style: chr14-64522933-A-G.
Other names: c.10016A>G, p.Lys3339Arg (NM_015180.6); short protein forms K3339R.
Identifiers: ClinVar variation 2746943 (VCV002746943.3), dbSNP rs2548360326, ClinGen allele CA389988187.